The following is an entry in ClinVar:

ClinVar aggregate classification (germline): Conflicting classifications of pathogenicity. Review status: criteria provided, conflicting classifications (1 of 4 stars). 9 submissions from 7 submitters: Uncertain significance (5); Likely benign (2). 2 of the submissions do not count toward it. Last evaluated 2024-02-26.

Conditions:
Acute febrile neutrophilic dermatosis (AFND). Also called: Gomm Button disease; Sweet Syndrome. Identifiers: Orphanet 3243, MedGen C0085077, MONDO:0011959, OMIM 608068.
Familial Mediterranean fever (FMF). Also called: POLYSEROSITIS, FAMILIAL PAROXYSMAL; POLYSEROSITIS, RECURRENT; Periodic peritonitis; Benign paroxysmal peritonitis. Identifiers: Orphanet 342, MedGen C0031069, MONDO:0018088, OMIM 249100. Disease mechanism: gain of function.
Familial Mediterranean fever, autosomal dominant. Also called: FMF, AUTOSOMAL DOMINANT; Dominant Familial Mediterranean Fever. Identifiers: Orphanet 342, MedGen C1851347, MONDO:0007601, OMIM 134610.

Allele frequency attached by ClinVar (database versions not stated): ExAC 0.00007; TOPMed 0.00002.
gnomAD v4.1: 28 of 1,614,192 alleles (0.0017%); highest among the groups gnomAD compares: East Asian, 0.031%; no homozygotes.

Submissions (9):

Fulgent Genetics
Classification: Uncertain significance for Familial Mediterranean fever, autosomal dominant; Familial Mediterranean fever; Acute febrile neutrophilic dermatosis. Last evaluated: 2024-02-26. Review status: criteria provided, single submitter. Criteria: ACMG Guidelines, 2015. Collection method: clinical testing. Allele origin: germline.

Genome-Nilou Lab
Classification: Uncertain significance for Familial Mediterranean fever. Last evaluated: 2023-02-08. Review status: criteria provided, single submitter. Criteria: ACMG Guidelines, 2015. Collection method: clinical testing. Allele origin: germline.

Genome-Nilou Lab
Classification: Likely benign for Familial Mediterranean fever, autosomal dominant. Last evaluated: 2023-02-08. Review status: criteria provided, single submitter. Criteria: ACMG Guidelines, 2015. Collection method: clinical testing. Allele origin: germline.

Genome-Nilou Lab
Classification: Likely benign for Acute febrile neutrophilic dermatosis. Last evaluated: 2023-02-08. Review status: criteria provided, single submitter. Criteria: ACMG Guidelines, 2015. Collection method: clinical testing. Allele origin: germline.

Labcorp Genetics (formerly Invitae), Labcorp
Classification: Uncertain significance for Familial Mediterranean fever. Last evaluated: 2022-07-14. Review status: criteria provided, single submitter. Criteria: Invitae Variant Classification Sherloc (09022015). Collection method: clinical testing. Allele origin: germline.
Comment: This sequence change replaces phenylalanine, which is neutral and non-polar, with leucine, which is neutral and non-polar, at codon 743 of the MEFV protein (p.Phe743Leu). This variant is present in population databases (rs104895152, gnomAD 0.1%). This missense change has been observed in individual(s) with clinical features of MEFV-related conditions (PMID: 21520333). ClinVar contains an entry for this variant (Variation ID: 97503). Algorithms developed to predict the effect of missense changes on protein structure and function are either unavailable or do not agree on the potential impact of this missense change (SIFT: "Deleterious"; PolyPhen-2: "Probably Damaging"; Align-GVGD: "Class C15"). In summary, the available evidence is currently insufficient to determine the role of this variant in disease. Therefore, it has been classified as a Variant of Uncertain Significance.

Revvity Omics, Revvity
Classification: Uncertain significance. Last evaluated: 2021-10-29. Review status: criteria provided, single submitter. Criteria: ACMG Guidelines, 2015. Collection method: clinical testing. Allele origin: germline.

Mendelics
Classification: Uncertain significance for Familial Mediterranean fever. Last evaluated: 2019-05-28. Review status: criteria provided, single submitter. Criteria: Mendelics Assertion Criteria 2017. Collection method: clinical testing. Allele origin: unknown.

Natera, Inc.
Classification: Uncertain significance for Familial Mediterranean fever. Last evaluated: 2020-02-17. Review status: no assertion criteria provided. Collection method: clinical testing. Allele origin: germline. Not counted in ClinVar's aggregate classification.

Unité médicale des maladies autoinflammatoires, CHRU Montpellier
No classification provided. Condition: Familial Mediterranean fever. Review status: no classification provided. Collection method: not provided. Allele origin: unknown. Not counted in ClinVar's aggregate classification.

Literature cited by the submitters: PubMed 21520333 (cited by Labcorp Genetics (formerly Invitae), Labcorp).

NM_000243.3(MEFV):c.2229C>G (p.Phe743Leu)

Gene: MEFV (MEFV innate immunity regulator, pyrin; minus strand). Cytogenetic location: 16p13.3.
Variant type: single nucleotide variant.
Coding change: c.2229C>G on transcript NM_000243.3 (MANE Select); coding-DNA position 2229, C replaced by G.
Protein change: p.Phe743Leu; replaces phenylalanine 743 with leucine.
Molecular consequence: missense variant. On other transcripts: 3 prime UTR variant (1).
Genome position (GRCh38, 1-based): chr16:3,243,258, G>C on the plus strand (C>G on the coding strand, the complement: MEFV is on the minus strand). VCF-style: chr16-3243258-G-C. GRCh37 (hg19) VCF-style: chr16-3293258-G-C.
Other names: c.*433C>G (NM_001198536.2); short protein forms F743L.
Identifiers: ClinVar variation 97503 (VCV000097503.14), dbSNP rs104895152, ClinGen allele CA280550.
Genomic context (GRCh38, chr16:3,243,258, plus strand): 5'-TCCATCACGTGTCCCAGGGCTGAAGATAGGTTGAAGGGGCCCAGAGAAAGAGCAGCTGGC[G>C]AATGTATAGATGTGGGATCTGGCTGTCACATTGTAAAAGGAGATGCTTCCAACTCTGTAG-3'
Protein context (NP_000234.1, residues 733-753): NVTARSHIYT[Phe743Leu]ASCSFSGPLQ